The following is an entry in ClinVar:

ClinVar aggregate classification (germline): Likely benign. Review status: criteria provided, multiple submitters, no conflicts (2 of 4 stars). 2 submissions from 2 submitters: Likely benign (2). Last evaluated 2026-07-27.

Conditions:
PHIP-related disorder. Also called: PHIP-related condition; PHIP-related disorders.

Allele frequency attached by ClinVar (database versions not stated): ExAC 0.00001; gnomAD 0.00002; TOPMed 0.00002; gnomAD exomes 0.00005; ESP Exome Variant Server 0.00015.
gnomAD v4.1: 73 of 1,612,916 alleles (0.0045%); highest among the groups gnomAD compares: Non-Finnish European, 0.0059%; no homozygotes.

Submissions (2):

PreventionGenetics, part of Exact Sciences
Classification: Likely benign for PHIP-related condition. Last evaluated: 2026-07-27. Review status: criteria provided, single submitter. Criteria: ACMG Guidelines, 2015. Collection method: clinical testing. Allele origin: germline.
Comment: This variant is classified as likely benign based on ACMG/AMP sequence variant interpretation guidelines (Richards et al. 2015 PMID: 25741868, with internal and published modifications).

Labcorp Genetics (formerly Invitae), Labcorp
Classification: Likely benign. Last evaluated: 2022-09-15. Review status: criteria provided, single submitter. Criteria: Invitae Variant Classification Sherloc (09022015). Collection method: clinical testing. Allele origin: germline.

NM_017934.7(PHIP):c.4878C>T (p.Gly1626=)

Genes: IRAK1BP1 (interleukin 1 receptor associated kinase 1 binding protein 1; plus strand), PHIP (PHIP subunit of CUL4-Ring ligase complex; minus strand). Cytogenetic location: 6q14.1.
Variant type: single nucleotide variant.
Coding change: c.4878C>T on transcript NM_017934.7 (MANE Select); coding-DNA position 4878, C replaced by T.
Protein change: p.Gly1626=; no amino-acid change (glycine 1626 retained).
Molecular consequence: synonymous variant.
Genome position (GRCh38, 1-based): chr6:78,941,281, G>A on the plus strand (C>T on the coding strand, the complement: PHIP is on the minus strand). VCF-style: chr6-78941281-G-A. GRCh37 (hg19) VCF-style: chr6-79650998-G-A.
Other names: c.4878C>T (NM_017934.6).
Identifiers: ClinVar variation 1980084 (VCV001980084.5), dbSNP rs376778189, ClinGen allele CA3899338.